The following is an entry in ClinVar:

NM_001018113.3(FANCB):c.-191-13C>T

Gene: FANCB (FA complementation group B; minus strand). Cytogenetic location: Xp22.2.
Variant type: single nucleotide variant.
Coding change: c.-191-13C>T on transcript NM_001018113.3 (MANE Select); 13 bases into the intron before 191 bases upstream of the start codon, C replaced by T.
Molecular consequence: intron variant.
Genome position (GRCh38, 1-based): chrX:14,869,056, G>A on the plus strand (C>T on the coding strand, the complement: FANCB is on the minus strand). VCF-style: chrX-14869056-G-A. GRCh37 (hg19) VCF-style: chrX-14887178-G-A.
Other names: c.-191-13C>T (NM_001324162.2); c.-70-3476C>T (NM_152633.4).
Identifiers: ClinVar variation 1692534 (VCV001692534.1), dbSNP rs2147458807, ClinGen allele CA2573158433.

ClinVar aggregate classification (germline): Uncertain significance (1 of 4 stars; one submission).

Conditions:
Fanconi anemia (FA). Also called: Fanconi's anemia. Identifiers: Orphanet 84, MedGen C0015625, MeSH D005199, MONDO:0019391.

Submission:

Sema4
Classification: Uncertain significance for Fanconi anemia. Last evaluated: 2022-02-25. Review status: criteria provided, single submitter. Criteria: Sema4 Curation Guidelines. Collection method: curation. Allele origin: germline.
Comment: The FANCB c.-191-13C>T variant has not been reported in the literature to our knowledge. It was not observed in the large and broad cohorts of the Genome Aggregation Database (PMID: 32461654). The variant has not been reported in ClinVar. In silico tools suggest that the variant does not have an impact on splicing, though these predictions have not been confirmed by functional studies. The evidence is insufficient to meet ACMG/AMP criteria for classifying the variant as benign or pathogenic. Thus, the clinical significance of this variant is currently uncertain.